The following is an entry in ClinVar:

NM_001035.3(RYR2):c.4732C>T (p.Pro1578Ser)

Gene: RYR2 (ryanodine receptor 2; plus strand). Cytogenetic location: 1q43.
Variant type: single nucleotide variant.
Coding change: c.4732C>T on transcript NM_001035.3 (MANE Select); coding-DNA position 4732, C replaced by T.
Protein change: p.Pro1578Ser; replaces proline 1578 with serine.
Molecular consequence: missense variant.
Genome position (GRCh38, 1-based): chr1:237,610,810, C>T. VCF-style: chr1-237610810-C-T. GRCh37 (hg19) VCF-style: chr1-237774110-C-T.
Other names: short protein forms P1578S.
Identifiers: ClinVar variation 945825 (VCV000945825.14), dbSNP rs761852488, ClinGen allele CA073353.

ClinVar aggregate classification (germline): Uncertain significance. Review status: criteria provided, multiple submitters, no conflicts (2 of 4 stars). 3 submissions from 3 submitters: Uncertain significance (3). Last evaluated 2024-07-16.

Conditions:
Cardiovascular phenotype. Identifiers: MedGen CN230736.
Catecholaminergic polymorphic ventricular tachycardia 1. Also called: VENTRICULAR TACHYCARDIA, CATECHOLAMINERGIC POLYMORPHIC, 1, WITH OR WITHOUT ATRIAL DYSFUNCTION AND/OR DILATED CARDIOMYOPATHY; VENTRICULAR TACHYCARDIA, STRESS-INDUCED POLYMORPHIC 1; RYR2-Related Catecholaminergic Polymorphic Ventricular Tachycardia. Identifiers: Orphanet 3286, MedGen C1631597, MONDO:0011484, OMIM 604772.
Catecholaminergic polymorphic ventricular tachycardia (CVPT). Also called: Catecholamine-induced polymorphic ventricular tachycardia. Identifiers: Orphanet 3286, MedGen C5574922, MONDO:0017990.

Allele frequency attached by ClinVar (database versions not stated): ExAC 0.00001; gnomAD 0.00001; gnomAD exomes 0.00001.
gnomAD v4.1: 5 of 1,611,202 alleles (0.00031%); highest among the groups gnomAD compares: African/African-American, 0.0013%; no homozygotes.

Submissions (3):

Labcorp Genetics (formerly Invitae), Labcorp
Classification: Uncertain significance for Catecholaminergic polymorphic ventricular tachycardia 1. Last evaluated: 2024-07-16. Review status: criteria provided, single submitter. Criteria: Invitae Variant Classification Sherloc (09022015). Collection method: clinical testing. Allele origin: germline.
Comment: This sequence change replaces proline, which is neutral and non-polar, with serine, which is neutral and polar, at codon 1578 of the RYR2 protein (p.Pro1578Ser). This variant is present in population databases (rs761852488, gnomAD 0.002%). This variant has not been reported in the literature in individuals affected with RYR2-related conditions. ClinVar contains an entry for this variant (Variation ID: 945825). Advanced modeling of protein sequence and biophysical properties (such as structural, functional, and spatial information, amino acid conservation, physicochemical variation, residue mobility, and thermodynamic stability) performed at Invitae indicates that this missense variant is not expected to disrupt RYR2 protein function with a negative predictive value of 95%. In summary, the available evidence is currently insufficient to determine the role of this variant in disease. Therefore, it has been classified as a Variant of Uncertain Significance.

All of Us Research Program, National Institutes of Health
Classification: Uncertain significance for Catecholaminergic polymorphic ventricular tachycardia. Last evaluated: 2024-05-30. Review status: criteria provided, single submitter. Criteria: ACMG Guidelines, 2015. Collection method: clinical testing. Allele origin: germline. Inheritance: Autosomal dominant inheritance. Observed: 1 variant allele, 1 heterozygote.
Comment: This missense variant replaces proline with serine at codon 1578 of the RYR2 protein. Computational prediction suggests that this variant may not impact protein structure and function (internally defined REVEL score threshold <= 0.5, PMID: 27666373). To our knowledge, functional studies have not been reported for this variant. This variant has not been reported in individuals affected with RYR2-related disorders in the literature. This variant has been identified in 3/276310 chromosomes in the general population by the Genome Aggregation Database (gnomAD). The available evidence is insufficient to determine the role of this variant in disease conclusively. Therefore, this variant is classified as a Variant of Uncertain Significance.

This study involves interpretation of variants in research participants for the purpose of population health screening. Participant phenotype was not available at the time of variant classification. Additional details can be found in publication PMID: 35346344, PMCID: PMC8962531

Ambry Genetics
Classification: Uncertain significance for Cardiovascular phenotype. Last evaluated: 2019-05-14. Review status: criteria provided, single submitter. Criteria: Ambry Variant Classification Scheme 2023. Collection method: clinical testing. Allele origin: germline.
Comment: The p.P1578S variant (also known as c.4732C>T), located in coding exon 36 of the RYR2 gene, results from a C to T substitution at nucleotide position 4732. The proline at codon 1578 is replaced by serine, an amino acid with similar properties. This amino acid position is well conserved in available vertebrate species. In addition, the in silico prediction for this alteration is inconclusive. Since supporting evidence is limited at this time, the clinical significance of this alteration remains unclear.